The following is an entry in ClinVar:

NM_000322.5(PRPH2):c.533A>G (p.Gln178Arg)

Gene: PRPH2 (peripherin 2; minus strand). Cytogenetic location: 6p21.1.
Variant type: single nucleotide variant.
Coding change: c.533A>G on transcript NM_000322.5 (MANE Select); coding-DNA position 533, A replaced by G.
Protein change: p.Gln178Arg; replaces glutamine 178 with arginine.
Molecular consequence: missense variant.
Genome position (GRCh38, 1-based): chr6:42,721,802, T>C on the plus strand (A>G on the coding strand, the complement: PRPH2 is on the minus strand). VCF-style: chr6-42721802-T-C. GRCh37 (hg19) VCF-style: chr6-42689540-T-C.
Other names: short protein forms Q178R.
Identifiers: ClinVar variation 98676 (VCV000098676.10), dbSNP rs61755795, ClinGen allele CA226250.

ClinVar aggregate classification (germline): Conflicting classifications of pathogenicity. Review status: criteria provided, conflicting classifications (1 of 4 stars). 6 submissions from 6 submitters: Pathogenic (1); Likely pathogenic (2); Uncertain significance (1). 2 of the submissions do not count toward it. Last evaluated 2025-10-23.

Conditions:
PRPH2-related disorder. Also called: PRPH2-related disorders; PRPH2-related condition. Identifiers: MedGen CN239395.
Choroidal dystrophy, central areolar 2 (CACD2). Also called: MACULAR DYSTROPHY, PROGRESSIVE; Choriodal Dystrophy, Central Areolar 2. Identifiers: Orphanet 75377, MedGen C2751290, MONDO:0013137, OMIM 613105.
Retinitis pigmentosa 7 (RP7). Identifiers: Orphanet 791, MedGen C1842475, MONDO:0011974, OMIM 608133.

Submissions (6):

Labcorp Genetics (formerly Invitae), Labcorp
Classification: Pathogenic for PRPH2-related disorder. Last evaluated: 2025-10-23. Review status: criteria provided, single submitter. Criteria: Invitae Variant Classification Sherloc (09022015). Collection method: clinical testing. Allele origin: germline.
Comment: This sequence change replaces glutamine, which is neutral and polar, with arginine, which is basic and polar, at codon 178 of the PRPH2 protein (p.Gln178Arg). This variant is not present in population databases (gnomAD no frequency). This missense change has been observed in individuals with autosomal dominant retinitis pigmentosa (PMID: 11139241, 26747767, 38743414; internal data). ClinVar contains an entry for this variant (Variation ID: 98676). Invitae Evidence Modeling of protein sequence and biophysical properties (such as structural, functional, and spatial information, amino acid conservation, physicochemical variation, residue mobility, and thermodynamic stability) indicates that this missense variant is expected to disrupt PRPH2 protein function with a positive predictive value of 95%. For these reasons, this variant has been classified as Pathogenic.

SingHealth Duke-NUS Institute of Precision Medicine
Classification: Likely pathogenic for Retinitis pigmentosa 7. Last evaluated: 2025-02-05. Review status: criteria provided, single submitter. Criteria: PRISM ACMG Classification Criteria. Collection method: clinical testing. Allele origin: germline. Affected: yes.
Comment: REVEL score is 0.875 (PP3_mod). Variant is not found in gnomAD exomes or genomes (PM2). Variant is in a mutational hotspot where >50% of variants are pathogenic (PM1). Prevalence in affected patients is significantly increased compared to the general population (PS4, PMID:11139241;26747767;33846575, internal data)

3billion
Classification: Uncertain significance for Choroidal dystrophy, central areolar 2. Last evaluated: 2023-08-13. Review status: criteria provided, single submitter. Criteria: ACMG Guidelines, 2015. Collection method: clinical testing. Allele origin: germline. Affected: yes.
Comment: The variant is not observed in the gnomAD v2.1.1 dataset. Predicted Consequence/Location: Missense variant In silico tool predictions suggest damaging effect of the variant on gene or gene product [REVEL: 0.88 (>=0.6, sensitivity 0.68 and specificity 0.92); 3Cnet: 0.99 (>=0.6, sensitivity 0.72 and precision 0.9)]. Same nucleotide change resulting in same amino acid change has been previously reported to be associated with PRPH2 related disorder (ClinVar ID: VCV000098676 /PMID: 11139241). However, the evidence of pathogenicity is insufficient at this time. Therefore, this variant is classified as VUS according to the recommendation of ACMG/AMP guideline.

Blueprint Genetics
Classification: Likely pathogenic for PRPH2-related disorders. Last evaluated: 2021-01-20. Review status: criteria provided, single submitter. Criteria: ACMG Guidelines, 2015. Collection method: clinical testing. Allele origin: germline. Affected: yes. Observed: 3 variant alleles.

Leiden Open Variation Database
Classification: Likely pathogenic. Last evaluated: 2021-04-06. Review status: no assertion criteria provided. Collection method: curation. Allele origin: germline. Affected: yes. Not counted in ClinVar's aggregate classification.
Comment: Curator: Global Variome, with Curator vacancy. Submitters to LOVD: Julia Lopez, Manon Peeters.

Retina International
No classification provided. Review status: no classification provided. Collection method: not provided. Allele origin: not provided. Not counted in ClinVar's aggregate classification.

Literature cited by the submitters: PubMed 11139241 (cited by 4 submitters); PubMed 26747767 (cited by 3 submitters); PubMed 38743414 (cited by Labcorp Genetics (formerly Invitae), Labcorp); PubMed 33846575 (cited by SingHealth Duke-NUS Institute of Precision Medicine).